The following is an entry in ClinVar:

NM_002971.6(SATB1):c.1937G>T (p.Arg646Leu)

Gene: SATB1 (SATB homeobox 1; minus strand). Cytogenetic location: 3p24.3.
Variant type: single nucleotide variant.
Coding change: c.1937G>T on transcript NM_002971.6 (MANE Select); coding-DNA position 1937, G replaced by T.
Protein change: p.Arg646Leu; replaces arginine 646 with leucine.
Molecular consequence: missense variant.
Genome position (GRCh38, 1-based): chr3:18,349,525, C>A on the plus strand (G>T on the coding strand, the complement: SATB1 is on the minus strand). VCF-style: chr3-18349525-C-A. GRCh37 (hg19) VCF-style: chr3-18391017-C-A.
Other names: c.1937G>T, p.Arg646Leu (NM_001131010.4, NM_001322872.2, NM_001322873.2 and 2 more transcripts); c.2033G>T, p.Arg678Leu (NM_001195470.3, NM_001322871.2); c.1721G>T, p.Arg574Leu (NM_001322876.2); short protein forms R574L, R646L, R678L.
Identifiers: ClinVar variation 2631838 (VCV002631838.1), dbSNP rs774776247, ClinGen allele CA351853497.

ClinVar aggregate classification (germline): Uncertain significance (1 of 4 stars; one submission).

Conditions:
SATB1-related disorder. Also called: SATB1-related condition.

Submission:

PreventionGenetics, part of Exact Sciences
Classification: Uncertain significance for SATB1-related condition. Last evaluated: 2022-11-05. Review status: criteria provided, single submitter. Criteria: ACMG Guidelines, 2015. Collection method: clinical testing. Allele origin: germline.
Comment: The SATB1 c.2033G>T variant is predicted to result in the amino acid substitution p.Arg678Leu. To our knowledge, this variant has not been reported in the literature or in a large population database, indicating this variant is rare. At this time, the clinical significance of this variant is uncertain due to the absence of conclusive functional and genetic evidence.